The following is an entry in ClinVar:

NM_006939.4(SOS2):c.1649G>T (p.Arg550Leu)

Gene: SOS2 (SOS Ras/Rho guanine nucleotide exchange factor 2; minus strand). Cytogenetic location: 14q21.3.
Variant type: single nucleotide variant.
Coding change: c.1649G>T on transcript NM_006939.4 (MANE Select); coding-DNA position 1649, G replaced by T.
Protein change: p.Arg550Leu; replaces arginine 550 with leucine.
Molecular consequence: missense variant.
Genome position (GRCh38, 1-based): chr14:50,159,634, C>A on the plus strand (G>T on the coding strand, the complement: SOS2 is on the minus strand). VCF-style: chr14-50159634-C-A. GRCh37 (hg19) VCF-style: chr14-50626352-C-A.
Other names: c.1550G>T, p.Arg517Leu (NM_001411020.1); short protein forms R517L, R550L.
Identifiers: ClinVar variation 4864952 (VCV004864952.1).

ClinVar aggregate classification (germline): Likely pathogenic (1 of 4 stars; one submission).

Conditions:
Cardiovascular phenotype. Identifiers: MedGen CN230736.

gnomAD v4.1: 2 of 1,613,552 alleles (0.00012%); highest among the groups gnomAD compares: Non-Finnish European, 0.00017%; no homozygotes.

Submission:

Ambry Genetics
Classification: Likely pathogenic for Cardiovascular phenotype. Last evaluated: 2026-05-01. Review status: criteria provided, single submitter. Criteria: Ambry Variant Classification Scheme 2023. Collection method: clinical testing. Allele origin: germline.
Comment: The c.1649G>T (p.R550L) alteration is located in exon 10 (coding exon 10) of the SOS2 gene. This alteration results from a G to T substitution at nucleotide position 1649, causing the arginine (R) at amino acid position 550 to be replaced by a leucine (L). This variant was not reported in population-based cohorts in the Genome Aggregation Database (gnomAD). Other variants at the corresponding codon in paralog gene SOS1, c.1655G>A (p.R552K), c.1655G>C (p.R552T), and c.1655G>T (p.R552M), have been identified in individuals with features consistent with RASopathy (Tartaglia, 2007; Zenker, 2007; Beneteau, 2009; Lepri, 2011; Calcagni, 2016; izm&aacute;rov&aacute;, 2016; Bessis, 2019; Li, 2019; Bertola, 2020; Lioncino, 2022; Draaisma, 2024; Shoji, 2024). This amino acid position is highly conserved in available vertebrate species. This alteration is predicted to be deleterious by in silico analysis. Based on the available evidence, this alteration is classified as likely pathogenic.

Literature cited by the submitters: PubMed 17143282; PubMed 17586837; PubMed 19352411; PubMed 21387466; PubMed 26607044; PubMed 26686981; PubMed 30417923; PubMed 31219622; PubMed 33128510; PubMed 36140671; PubMed 38572385; PubMed 38958480.